The following is an entry in ClinVar:

NM_005263.5(GFI1):c.299-4A>T

Gene: GFI1 (growth factor independent 1 transcriptional repressor; minus strand). Cytogenetic location: 1p22.1.
Variant type: single nucleotide variant.
Coding change: c.299-4A>T on transcript NM_005263.5 (MANE Select); 4 bases into the intron before coding-DNA position 299, A replaced by T.
Molecular consequence: intron variant.
Genome position (GRCh38, 1-based): chr1:92,481,092, T>A on the plus strand (A>T on the coding strand, the complement: GFI1 is on the minus strand). VCF-style: chr1-92481092-T-A. GRCh37 (hg19) VCF-style: chr1-92946649-T-A.
Other names: c.299-4A>T (NM_001127216.3, NM_001127215.3).
Identifiers: ClinVar variation 2177294 (VCV002177294.4), dbSNP rs1221676527, ClinGen allele CA524596547.

ClinVar aggregate classification (germline): Uncertain significance (1 of 4 stars; one submission).

Conditions:
Neutropenia, severe congenital, 2, autosomal dominant. Identifiers: Orphanet 486, MedGen C2751288, MONDO:0013139, OMIM 613107.

Allele frequency attached by ClinVar (database versions not stated): gnomAD exomes 0.00001.
gnomAD v4.1: 18 of 1,609,856 alleles (0.0011%); highest among the groups gnomAD compares: Non-Finnish European, 0.0015%; no homozygotes.

Submission:

Labcorp Genetics (formerly Invitae), Labcorp
Classification: Uncertain significance for Neutropenia, severe congenital, 2, autosomal dominant. Last evaluated: 2025-12-28. Review status: criteria provided, single submitter. Criteria: Invitae Variant Classification Sherloc (09022015). Collection method: clinical testing. Allele origin: germline.
Comment: This sequence change falls in intron 3 of the GFI1 gene. It does not directly change the encoded amino acid sequence of the GFI1 protein. This variant is present in population databases (no rsID available, gnomAD 0.001%). This variant has not been reported in the literature in individuals affected with GFI1-related conditions. ClinVar contains an entry for this variant (Variation ID: 2177294). Algorithms developed to predict the effect of sequence changes on RNA splicing suggest that this variant may disrupt the consensus splice site. In summary, the available evidence is currently insufficient to determine the role of this variant in disease. Therefore, it has been classified as a Variant of Uncertain Significance.